The following is an entry in ClinVar:

ClinVar aggregate classification (germline): Likely benign (0 of 4 stars; one submission).

Conditions:
ACTN4-related disorder. Also called: ACTN4-related condition.

Allele frequency attached by ClinVar (database versions not stated): gnomAD exomes below 0.00001; ExAC 0.00001.
gnomAD v4.1: 1 of 1,614,266 alleles (0.000062%); highest among the groups gnomAD compares: South Asian, 0.0011%; no homozygotes.

Submission:

PreventionGenetics, part of Exact Sciences
Classification: Likely benign for ACTN4-related condition. Last evaluated: 2020-10-12. Review status: no assertion criteria provided. Collection method: clinical testing. Allele origin: germline.
Comment: This variant is classified as likely benign based on ACMG/AMP sequence variant interpretation guidelines (Richards et al. 2015 PMID: 25741868, with internal and published modifications).

NM_004924.6(ACTN4):c.1017G>A (p.Arg339=)

Gene: ACTN4 (actinin alpha 4; plus strand). Cytogenetic location: 19q13.2.
Variant type: single nucleotide variant.
Coding change: c.1017G>A on transcript NM_004924.6 (MANE Select); coding-DNA position 1017, G replaced by A.
Protein change: p.Arg339=; no amino-acid change (arginine 339 retained).
Molecular consequence: synonymous variant.
Genome position (GRCh38, 1-based): chr19:38,717,190, G>A. VCF-style: chr19-38717190-G-A. GRCh37 (hg19) VCF-style: chr19-39207830-G-A.
Other names: c.1017G>A, p.Arg339= (NM_001322033.2, NM_001411143.1).
Identifiers: ClinVar variation 3032570 (VCV003032570.2), dbSNP rs773044629, ClinGen allele CA9417510.